The following is an entry in ClinVar:

ClinVar aggregate classification (germline): Pathogenic/Likely pathogenic. Review status: criteria provided, multiple submitters, no conflicts (2 of 4 stars). 2 submissions from 2 submitters: Pathogenic (1); Likely pathogenic (1). Last evaluated 2025-02-20.

Conditions:
Glycogen storage disease type III (GSD3). Also called: Cori disease; FORBES DISEASE. Identifiers: Orphanet 366, MedGen C0017922, MONDO:0009291, OMIM 232400.

Allele frequency attached by ClinVar (database versions not stated): gnomAD exomes 0.00001; TOPMed 0.00001; gnomAD 0.00007.
gnomAD v4.1: 14 of 1,612,996 alleles (0.00087%); highest among the groups gnomAD compares: Admixed American, 0.023%; no homozygotes.

Submissions (2):

Natera, Inc.
Classification: Likely pathogenic for Glycogen storage disease type III. Last evaluated: 2025-02-20. Review status: criteria provided, single submitter. Criteria: Natera Variant Classification Schema (03/2026). Collection method: clinical testing. Allele origin: germline.
Comment: The c.4525C>T variant in AGL is a nonsense variant predicted to introduce a stop codon at amino acid 1509. This variant is expected to result in nonsense mediated decay, truncation, or a dysfunctional protein product. This variant is rare in the general population with a frequency below the threshold expected for the associated phenotype(s). Given the available evidence, this variant is classified as Likely Pathogenic.

Labcorp Genetics (formerly Invitae), Labcorp
Classification: Pathogenic for Glycogen storage disease type III. Last evaluated: 2023-03-04. Review status: criteria provided, single submitter. Criteria: Invitae Variant Classification Sherloc (09022015). Collection method: clinical testing. Allele origin: germline.
Comment: This sequence change creates a premature translational stop signal (p.Gln1509*) in the AGL gene. While this is not anticipated to result in nonsense mediated decay, it is expected to disrupt the last 24 amino acid(s) of the AGL protein. This variant is present in population databases (no rsID available, gnomAD 0.009%). This premature translational stop signal has been observed in individual(s) with clinical symptoms of glycogen storage disease type III (Invitae). ClinVar contains an entry for this variant (Variation ID: 656738). Experimental studies and prediction algorithms are not available or were not evaluated, and the functional significance of this variant is currently unknown. This variant disrupts a region of the AGL protein in which other variant(s) (p.Tyr1510*) have been determined to be pathogenic (PMID: 8990006, 20071996, 20490926, 23430490; Invitae). This suggests that this is a clinically significant region of the protein, and that variants that disrupt it are likely to be disease-causing. For these reasons, this variant has been classified as Pathogenic.

Literature cited by the submitters: PubMed 8990006 (cited by Labcorp Genetics (formerly Invitae), Labcorp); PubMed 20071996 (cited by Labcorp Genetics (formerly Invitae), Labcorp); PubMed 20490926 (cited by Labcorp Genetics (formerly Invitae), Labcorp); PubMed 23430490 (cited by Labcorp Genetics (formerly Invitae), Labcorp).

NM_000642.3(AGL):c.4525C>T (p.Gln1509Ter)

Gene: AGL (amylo-alpha-1,6-glucosidase and 4-alpha-glucanotransferase; plus strand). Cytogenetic location: 1p21.2.
Variant type: single nucleotide variant.
Coding change: c.4525C>T on transcript NM_000642.3 (MANE Select); coding-DNA position 4525, C replaced by T.
Protein change: p.Gln1509Ter; replaces glutamine 1509 with a stop codon.
Molecular consequence: nonsense.
Genome position (GRCh38, 1-based): chr1:99,921,577, C>T. VCF-style: chr1-99921577-C-T. GRCh37 (hg19) VCF-style: chr1-100387133-C-T.
Other names: c.4525C>T (NM_000642.2); c.4525C>T, p.Gln1509Ter (NM_000028.3, NM_000643.3, NM_000644.3 and 1 more transcripts); c.4477C>T, p.Gln1493Ter (NM_000646.3); c.4504C>T, p.Gln1502Ter (NM_001425326.1); c.4324C>T, p.Gln1442Ter (NM_001425327.1); c.4321C>T, p.Gln1441Ter (NM_001425328.1); c.4186C>T, p.Gln1396Ter (NM_001425329.1); c.4147C>T, p.Gln1383Ter (NM_001425332.1); short protein forms Q1493*, Q1509*, Q1383*, Q1396*, Q1441*, Q1442*, Q1502*.
Identifiers: ClinVar variation 656738 (VCV000656738.9), dbSNP rs1480850606, ClinGen allele CA341343575.